The following is an entry in ClinVar:

ClinVar aggregate classification (germline): Likely benign. Review status: criteria provided, multiple submitters, no conflicts (2 of 4 stars). 2 submissions from 2 submitters: Likely benign (2). Last evaluated 2018-07-14.

Allele frequency attached by ClinVar (database versions not stated): gnomAD exomes 0.00053; 1000 Genomes Project 0.00238; 1000 Genomes Project 30x 0.00250.
gnomAD v4.1: 615 of 313,164 alleles (0.2%); highest among the groups gnomAD compares: African/African-American, 1.6%; 4 homozygotes.

Submissions (2):

GeneDx
Classification: Likely benign. Last evaluated: 2018-07-14. Review status: criteria provided, single submitter. Criteria: GeneDx Variant Classification Process June 2021. Collection method: clinical testing. Allele origin: germline. Affected: yes.
Comment: See Variant Classification Assertion Criteria.

Breakthrough Genomics
Classification: Likely benign. Review status: criteria provided, single submitter. Criteria: ACMG Guidelines, 2015. Collection method: not provided. Allele origin: germline. Inheritance: X-linked inheritance. Affected: yes.

NM_001256447.2(BCAP31):c.-45+249G>C

Genes: BCAP31 (B cell receptor associated protein 31; minus strand), LOC130068831 (ATAC-STARR-seq lymphoblastoid silent region 21070; plus strand). Cytogenetic location: Xq28.
Variant type: single nucleotide variant.
Coding change: c.-45+249G>C on transcript NM_001256447.2 (MANE Select); 249 bases into the intron after 45 bases upstream of the start codon, G replaced by C.
Molecular consequence: intron variant. On other transcripts: 5 prime UTR variant (2).
Genome position (GRCh38, 1-based): chrX:153,724,085, C>G on the plus strand (G>C on the coding strand, the complement: BCAP31 is on the minus strand). VCF-style: chrX-153724085-C-G. GRCh37 (hg19) VCF-style: chrX-152989540-C-G.
Other names: c.-114G>C (NM_001139441.1); c.-421G>C (NM_001139457.2); c.-45+116G>C (NM_005745.8).
Identifiers: ClinVar variation 2507208 (VCV002507208.2), dbSNP rs782523035, ClinGen allele CA337232675.